The following is an entry in ClinVar:

ClinVar aggregate classification (germline): Uncertain significance (1 of 4 stars; one submission).

Submission:

Women's Health and Genetics/Laboratory Corporation of America, LabCorp
Classification: Uncertain significance. Last evaluated: 2023-05-25. Review status: criteria provided, single submitter. Criteria: LabCorp Variant Classification Summary - May 2015. Collection method: clinical testing. Allele origin: germline.
Comment: Variant summary: The variant identified by MLPA or other technology involves the duplication of exons 1-14, i.e. the whole coding sequence of the FAN1 (aka. MTMR15) gene. Since the exact breakpoints of this duplication are not known, it might extend beyond the assayed region of the gene, and include other flanking genes. A presumed nomenclature of c.(?_-292)_(*3+1_*4-1)dup has been designated for the purposes of this classification. It has been assumed that this is a tandem duplication in direct orientation (Richardson_GIM_2018, Newman_AJHG_2015). A large duplication variant (~323 kbp) involving the FAN1 gene (together with the full- and partial duplications of other flanking genes) was found at a frequency of 0.0001383 (i.e. 3 heterozygous alleles) in 21694 control chromosomes in the gnomAD database, structural variants dataset. To our knowledge, no occurrence of c.(?_-292)_(*3+1_*4-1)dup in individuals affected with Karyomegalic Interstitial Nephritis and no experimental evidence demonstrating its impact on protein function have been reported. On the other hand, large duplication variants involving the FAN1 gene, together with other genes, have been reported in individuals affected with various phenotypes (USCS), however without presenting evidence for causality of the FAN1 gene. ClinVar lists several large duplication variants spanning multiple genes (including FAN1) as pathogenic or VUS, but provides no phenotype or classification details. Based on the evidence outlined above, the variant was classified as uncertain significance.

NC_000015.9:g.(?_31196075)_(31229463_31233768)dup

Genes: FAN1 (FANCD2 and FANCI associated nuclease 1; plus strand), MTMR10 (myotubularin related protein 10; minus strand). Cytogenetic location: 15q13.2-13.3.
Variant type: Duplication.
Identifiers: ClinVar variation 2573360 (VCV002573360.1).